The following is an entry in ClinVar:

NM_000059.4(BRCA2):c.5784A>C (p.Glu1928Asp)

Gene: BRCA2 (BRCA2 DNA repair associated; plus strand). Cytogenetic location: 13q13.1.
Variant type: single nucleotide variant.
Coding change: c.5784A>C on transcript NM_000059.4 (MANE Select); coding-DNA position 5784, A replaced by C.
Protein change: p.Glu1928Asp; replaces glutamic acid 1928 with aspartic acid.
Molecular consequence: missense variant.
Genome position (GRCh38, 1-based): chr13:32,340,139, A>C. VCF-style: chr13-32340139-A-C. GRCh37 (hg19) VCF-style: chr13-32914276-A-C.
Other names: 6012A>C; short protein forms E1928D.
Identifiers: ClinVar variation 96829 (VCV000096829.23), dbSNP rs431825335, ClinGen allele CA023225.

ClinVar aggregate classification (germline): Conflicting classifications of pathogenicity. Review status: criteria provided, conflicting classifications (1 of 4 stars). 7 submissions from 7 submitters: Uncertain significance (5); Likely benign (1). 1 of the submissions does not count toward it. Last evaluated 2025-09-13.

Conditions:
Hereditary cancer-predisposing syndrome. Also called: Hereditary Cancer Syndrome; Neoplastic Syndromes, Hereditary; Hereditary neoplastic syndrome; Tumor predisposition. Identifiers: Orphanet 140162, MedGen C0027672, MeSH D009386, MONDO:0015356.
Hereditary breast ovarian cancer syndrome. Also called: Breast and ovarian cancer; Hereditary breast and/or ovarian cancer syndrome; Hereditary breast and ovarian cancer; Hereditary breast and ovarian cancer syndrome; Hereditary breast and ovarian cancer syndrome (HBOC); BRCA1- and BRCA2-Associated Hereditary Breast and Ovarian Cancer. Identifiers: Orphanet 145, MedGen C0677776, MeSH D061325, MONDO:0003582. Disease mechanism: loss of function.
Breast-ovarian cancer, familial, susceptibility to, 2 (BROVCA2). Also called: BRCA2 Hereditary Breast and Ovarian Cancer. Identifiers: Orphanet 145, MedGen C2675520, MONDO:0012933, OMIM 612555. Disease mechanism: loss of function.

Allele frequency attached by ClinVar (database versions not stated): gnomAD exomes below 0.00001; gnomAD 0.00001 and 0.00002; TOPMed 0.00001.
gnomAD v4.1: 9 of 1,613,184 alleles (0.00056%); highest among the groups gnomAD compares: East Asian, 0.0022%; no homozygotes.

Submissions (7):

Ambry Genetics
Classification: Uncertain significance for Hereditary cancer-predisposing syndrome. Last evaluated: 2025-09-13. Review status: criteria provided, single submitter. Criteria: Ambry Variant Classification Scheme 2023. Collection method: clinical testing. Allele origin: germline.
Comment: The p.E1928D variant (also known as c.5784A>C), located in coding exon 10 of the BRCA2 gene, results from an A to C substitution at nucleotide position 5784. The glutamic acid at codon 1928 is replaced by aspartic acid, an amino acid with highly similar properties. This alteration was identified amongst a cohort of 3984 Chinese women with a breast cancer diagnosis undergoing BRCA1/2 genetic testing (Yao L et al. J Hum Genet, 2022 Nov;67:639-642). This amino acid position is poorly conserved in available vertebrate species. In addition, this alteration is predicted to be tolerated by in silico analysis. Since supporting evidence is limited at this time, the clinical significance of this alteration remains unclear.

Labcorp Genetics (formerly Invitae), Labcorp
Classification: Uncertain significance for Hereditary breast ovarian cancer syndrome. Last evaluated: 2024-01-18. Review status: criteria provided, single submitter. Criteria: Invitae Variant Classification Sherloc (09022015). Collection method: clinical testing. Allele origin: germline.
Comment: This sequence change replaces glutamic acid, which is acidic and polar, with aspartic acid, which is acidic and polar, at codon 1928 of the BRCA2 protein (p.Glu1928Asp). This variant is present in population databases (rs431825335, gnomAD 0.0009%). This missense change has been observed in individual(s) with breast cancer (PMID: 27124784). ClinVar contains an entry for this variant (Variation ID: 96829). Advanced modeling of protein sequence and biophysical properties (such as structural, functional, and spatial information, amino acid conservation, physicochemical variation, residue mobility, and thermodynamic stability) performed at Invitae indicates that this missense variant is not expected to disrupt BRCA2 protein function with a negative predictive value of 95%. In summary, the available evidence is currently insufficient to determine the role of this variant in disease. Therefore, it has been classified as a Variant of Uncertain Significance.

All of Us Research Program, National Institutes of Health
Classification: Uncertain significance for Breast-ovarian cancer, familial, susceptibility to, 2. Last evaluated: 2023-07-10. Review status: criteria provided, single submitter. Criteria: ACMG Guidelines, 2015. Collection method: clinical testing. Allele origin: germline. Inheritance: Autosomal dominant inheritance. Observed: 1 variant allele, 1 heterozygote.
Comment: This missense variant replaces glutamic acid with aspartic acid at codon 1928 of the BRCA2 protein. Computational prediction suggests that this variant may not impact protein structure and function (internally defined REVEL score threshold <= 0.5, PMID: 27666373). To our knowledge, functional studies have not been reported for this variant. This variant has been reported in at least two individuals affected with breast or ovarian cancer (PMID: 27124784, 32812259, 35864222) and in an unaffected individual (PMID: 33471991; Leiden Open Variation Database DB-ID BRCA2_008370). This variant has been identified in 1/250584 chromosomes in the general population by the Genome Aggregation Database (gnomAD). The available evidence is insufficient to determine the role of this variant in disease conclusively. Therefore, this variant is classified as a Variant of Uncertain Significance.

This study involves interpretation of variants in research participants for the purpose of population health screening. Participant phenotype was not available at the time of variant classification. Additional details can be found in publication PMID: 35346344, PMCID: PMC8962531

Color Diagnostics, LLC DBA Color Health
Classification: Uncertain significance for Hereditary cancer-predisposing syndrome. Last evaluated: 2023-06-22. Review status: criteria provided, single submitter. Criteria: ACMG Guidelines, 2015. Collection method: clinical testing. Allele origin: germline.
Comment: This missense variant replaces glutamic acid with aspartic acid at codon 1928 of the BRCA2 protein. Computational prediction suggests that this variant may not impact protein structure and function (internally defined REVEL score threshold <= 0.5, PMID: 27666373). To our knowledge, functional studies have not been reported for this variant. This variant has been reported in at least two individuals affected with breast or ovarian cancer (PMID: 27124784, 32812259, 35864222) and in an unaffected individual (PMID: 33471991; Leiden Open Variation Database DB-ID BRCA2_008370). This variant has been identified in 1/250584 chromosomes in the general population by the Genome Aggregation Database (gnomAD). The available evidence is insufficient to determine the role of this variant in disease conclusively. Therefore, this variant is classified as a Variant of Uncertain Significance.

University of Washington Department of Laboratory Medicine, University of Washington
Classification: Likely benign for Hereditary cancer-predisposing syndrome. Last evaluated: 2023-03-23. Review status: criteria provided, single submitter. Criteria: Dines et al. (Genet Med. 2020). Collection method: curation. Allele origin: germline.
Comment: Missense variant in a coldspot region where missense variants are very unlikely to be pathogenic (PMID:31911673).

BRCA2 exon 11 coldspot. Reclassification based on statistical prior probability.

GeneDx
Classification: Uncertain significance. Last evaluated: 2017-04-10. Review status: criteria provided, single submitter. Criteria: GeneDx Variant Classification (06012015). Collection method: clinical testing. Allele origin: germline. Affected: yes.
Comment: This variant is denoted BRCA2 c.5784A>C at the cDNA level, p.Glu1928Asp (E1928D) at the protein level, and results in the change of a Glutamic Acid to an Aspartic Acid (GAA>GAC). This variant, also known as BRCA2 6012A>C using alternate nomenclature, has been reported in at least one individual with breast cancer (Park 2016). BRCA2 Glu1928Asp was not observed in large population cohorts (NHLBI Exome Sequencing Project, The 1000 Genomes Consortium 2015, Lek 2016). Since Glutamic Acid and Aspartic Acid share similar properties, this is considered a conservative amino acid substitution. BRCA2 Glu1928Asp occurs at a position that is not conserved and is located in the RAD51 binding domain (Roy 2012). In silico analyses predict that this variant is unlikely to alter protein structure or function. Based on currently available evidence, it is unclear whether BRCA2 Glu1928Asp is a pathogenic or benign variant. We consider it to be a variant of uncertain significance.

Sharing Clinical Reports Project (SCRP)
Classification: Uncertain significance for Breast-ovarian cancer, familial 2. Last evaluated: 2012-05-01. Review status: no assertion criteria provided. Collection method: clinical testing. Allele origin: germline. Not counted in ClinVar's aggregate classification.

Literature cited by the submitters: PubMed 35864222 (cited by 3 submitters); PubMed 27124784 (cited by 3 submitters); PubMed 32812259 (cited by All of Us Research Program, National Institutes of Health and Color Diagnostics, LLC DBA Color Health); PubMed 33471991 (cited by All of Us Research Program, National Institutes of Health and Color Diagnostics, LLC DBA Color Health).